The following is an entry in ClinVar:

ClinVar aggregate classification (germline): Uncertain significance (1 of 4 stars; one submission).

Submission:

Women's Health and Genetics/Laboratory Corporation of America, LabCorp
Classification: Uncertain significance. Last evaluated: 2020-01-06. Review status: criteria provided, single submitter. Criteria: LabCorp Variant Classification Summary - May 2015. Collection method: clinical testing. Allele origin: germline.
Comment: Variant summary: BRCA2 c.230C>G (p.Thr77Ser) results in a conservative amino acid change in the encoded protein sequence. Three of five in-silico tools predict a damaging effect of the variant on protein function. The variant was absent in 251376 control chromosomes (gnomAD). The available data on variant occurrences in the general population are insufficient to allow any conclusion about variant significance. To our knowledge, no occurrence of c.230C>G in individuals affected with Hereditary Breast and Ovarian Cancer and no experimental evidence demonstrating its impact on protein function have been reported. Co-occurrence with another pathogenic variant has been interally reported (BRCA2 c.5576_5579delTTAA, p.Ile1859fsX3), providing supporting evidence for a benign role. No clinical diagnostic laboratories have submitted clinical-significance assessments for this variant to ClinVar after 2014. Based on the evidence outlined above, the variant was classified as VUS-possibly benign.

NM_000059.4(BRCA2):c.230C>G (p.Thr77Ser)

Gene: BRCA2 (BRCA2 DNA repair associated; plus strand). Cytogenetic location: 13q13.1.
Variant type: single nucleotide variant.
Coding change: c.230C>G on transcript NM_000059.4 (MANE Select); coding-DNA position 230, C replaced by G.
Protein change: p.Thr77Ser; replaces threonine 77 with serine.
Molecular consequence: missense variant.
Genome position (GRCh38, 1-based): chr13:32,319,239, C>G. VCF-style: chr13-32319239-C-G. GRCh37 (hg19) VCF-style: chr13-32893376-C-G.
Other names: short protein forms T77S.
Identifiers: ClinVar variation 917634 (VCV000917634.1), dbSNP rs1003162870, ClinGen allele CA387754493.